The following is an entry in ClinVar:

NM_138420.4(AHNAK2):c.5514A>T (p.Pro1838=)

Gene: AHNAK2 (AHNAK nucleoprotein 2; minus strand). Cytogenetic location: 14q32.33.
Variant type: single nucleotide variant.
Coding change: c.5514A>T on transcript NM_138420.4 (MANE Select); coding-DNA position 5514, A replaced by T.
Protein change: p.Pro1838=; no amino-acid change (proline 1838 retained).
Molecular consequence: synonymous variant.
Genome position (GRCh38, 1-based): chr14:104,949,937, T>A on the plus strand (A>T on the coding strand, the complement: AHNAK2 is on the minus strand). VCF-style: chr14-104949937-T-A. GRCh37 (hg19) VCF-style: chr14-105416274-T-A.
Other names: c.5214A>T, p.Pro1738= (NM_001350929.2).
Identifiers: ClinVar variation 4873201 (VCV004873201.2).

ClinVar aggregate classification (germline): Likely benign (1 of 4 stars; one submission).

gnomAD v4.1: 66 of 1,589,010 alleles (0.0042%); highest among the groups gnomAD compares: African/African-American, 0.039%; 4 homozygotes.

Submission:

CeGaT Center for Human Genetics Tuebingen
Classification: Likely benign. Last evaluated: 2026-04-01. Review status: criteria provided, single submitter. Criteria: CeGaT Center For Human Genetics Tuebingen Variant Classification Criteria Version 2. Collection method: clinical testing. Allele origin: germline. Affected: yes. Observed: 1 variant allele.
Comment: AHNAK2: BP4, BP7